The following is an entry in ClinVar:

NM_020937.4(FANCM):c.2201_2202del (p.Leu733_Ser734insTer)

Gene: FANCM (FA complementation group M; plus strand). Cytogenetic location: 14q21.2.
Variant type: Microsatellite.
Coding change: c.2201_2202del on transcript NM_020937.4 (MANE Select); coding-DNA positions 2201 to 2202, 2 bases deleted (CT; older notation c.2201_2202delCT).
Protein change: p.Leu733_Ser734insTer.
Molecular consequence: nonsense.
Genome position (GRCh38, 1-based): chr14:45,173,095-45,173,096, CT deleted; deleting any 2 consecutive bases within chr14:45,173,085-45,173,096 gives the same sequence; the c. name uses the placement nearest the transcript's 3' end. VCF-style (leftmost placement, unchanged base first): chr14-45173084-ACT-A. GRCh37 (hg19) VCF-style: chr14-45642287-ACT-A.
Other names: c.2123_2124del, p.Leu707_Ser708insTer (NM_001308133.2).
Identifiers: ClinVar variation 2715509 (VCV002715509.3), dbSNP rs762570903, ClinGen allele CA7169284.

ClinVar aggregate classification (germline): Pathogenic (1 of 4 stars; one submission).

Conditions:
Fanconi anemia (FA). Also called: Fanconi's anemia. Identifiers: Orphanet 84, MedGen C0015625, MeSH D005199, MONDO:0019391.

Submission:

Labcorp Genetics (formerly Invitae), Labcorp
Classification: Pathogenic for Fanconi anemia. Last evaluated: 2023-10-09. Review status: criteria provided, single submitter. Criteria: Invitae Variant Classification Sherloc (09022015). Collection method: clinical testing. Allele origin: germline.
Comment: This sequence change creates a premature translational stop signal (p.Ser734*) in the FANCM gene. It is expected to result in an absent or disrupted protein product. Loss-of-function variants in FANCM are known to be pathogenic (PMID: 29895858, 30075111). The frequency data for this variant in the population databases is considered unreliable, as metrics indicate poor data quality at this position in the gnomAD database. This variant has not been reported in the literature in individuals affected with FANCM-related conditions. For these reasons, this variant has been classified as Pathogenic.

Literature cited by the submitters: PubMed 29895858; PubMed 30075111.